The following is an entry in ClinVar:

ClinVar aggregate classification (germline): Benign/Likely benign. Review status: criteria provided, multiple submitters, no conflicts (2 of 4 stars). 3 submissions from 3 submitters: Benign (1); Likely benign (2). Last evaluated 2025-03-19.

Conditions:
Juvenile polyposis syndrome (JPS). Identifiers: Orphanet 2929, MedGen C0345893, MONDO:0017380, OMIM 174900.
Juvenile polyposis/hereditary hemorrhagic telangiectasia syndrome (JPHT). Also called: JP/HHT SYNDROME; JUVENILE POLYPOSIS WITH HEREDITARY HEMORRHAGIC TELANGIECTASIA; POLYPOSIS, GENERALIZED JUVENILE, WITH PULMONARY ARTERIOVENOUS MALFORMATION; TELANGIECTASIA, HEREDITARY HEMORRHAGIC, WITH JUVENILE POLYPOSIS COLI; Juvenile Polyposis Syndrome / Hereditary Hemorrhagic Telangiectasia (JPS/HHT). Identifiers: Orphanet 2929, MedGen C1832942, MONDO:0008278, OMIM 175050.
Hereditary cancer-predisposing syndrome. Also called: Hereditary Cancer Syndrome; Neoplastic Syndromes, Hereditary; Hereditary neoplastic syndrome; Tumor predisposition. Identifiers: Orphanet 140162, MedGen C0027672, MeSH D009386, MONDO:0015356.
Familial thoracic aortic aneurysm and aortic dissection (TAAD). Also called: Thoracic aortic aneurysms and dissections. Identifiers: Orphanet 91387, MedGen C4707243, MONDO:0019625.

Submissions (3):

Myriad Genetics, Inc.
Classification: Benign for Juvenile polyposis/hereditary hemorrhagic telangiectasia syndrome. Last evaluated: 2025-03-19. Review status: criteria provided, single submitter. Criteria: Myriad Autosomal Dominant, Autosomal Recessive and X-Linked Classification Criteria (2023). Collection method: clinical testing. Allele origin: unknown.
Comment: This variant is considered benign. This variant is a silent/synonymous amino acid change and it is not expected to impact splicing.

Ambry Genetics
Classification: Likely benign for Hereditary cancer-predisposing syndrome; Familial thoracic aortic aneurysm and aortic dissection. Last evaluated: 2020-10-18. Review status: criteria provided, single submitter. Criteria: Ambry Variant Classification Scheme 2023. Collection method: clinical testing. Allele origin: germline.

Labcorp Genetics (formerly Invitae), Labcorp
Classification: Likely benign for Juvenile polyposis syndrome. Last evaluated: 2020-06-22. Review status: criteria provided, single submitter. Criteria: Invitae Variant Classification Sherloc (09022015). Collection method: clinical testing. Allele origin: germline.

NM_005359.6(SMAD4):c.513G>T (p.Ser171=)

Gene: SMAD4 (SMAD family member 4; plus strand). Cytogenetic location: 18q21.2.
Variant type: single nucleotide variant.
Coding change: c.513G>T on transcript NM_005359.6 (MANE Select); coding-DNA position 513, G replaced by T.
Protein change: p.Ser171=; no amino-acid change (serine 171 retained).
Molecular consequence: synonymous variant.
Genome position (GRCh38, 1-based): chr18:51,054,839, G>T. VCF-style: chr18-51054839-G-T. GRCh37 (hg19) VCF-style: chr18-48581209-G-T.
Identifiers: ClinVar variation 1147437 (VCV001147437.12), dbSNP rs1210446538, ClinGen allele CA503873694.
Genomic context (GRCh38, chr18:51,054,839, plus strand): 5'-AGCTCCATCAAGTATGATGGTGAAGGATGAATATGTGCATGACTTTGAGGGACAGCCATC[G>T]TTGTCCACTGAAGGACATTCAATTCAAACCATCCAGCATCCACCAAGTAATCGTGCATCG-3'
Protein context (NP_005350.1, residues 161-181): EYVHDFEGQP[Ser171=]LSTEGHSIQT